The following is an entry in ClinVar:

ClinVar aggregate classification (germline): Conflicting classifications of pathogenicity. Review status: criteria provided, conflicting classifications (1 of 4 stars). 3 submissions from 3 submitters: Uncertain significance (1); Likely benign (1). 1 of the submissions does not count toward it. Last evaluated 2025-10-11.

Conditions:
COL2A1-related disorder. Also called: COL2A1-related condition; COL2A1-related disorders.

Allele frequency attached by ClinVar (database versions not stated): gnomAD 0.00003 and 0.00004; gnomAD exomes 0.00003 and 0.00010; TOPMed 0.00003; ExAC 0.00013.

Submissions (3):

Labcorp Genetics (formerly Invitae), Labcorp
Classification: Uncertain significance. Last evaluated: 2025-10-11. Review status: criteria provided, single submitter. Criteria: Invitae Variant Classification Sherloc (09022015). Collection method: clinical testing. Allele origin: germline.
Comment: This sequence change falls in intron 12 of the COL2A1 gene. It does not directly change the encoded amino acid sequence of the COL2A1 protein. It affects a nucleotide within the consensus splice site. This variant is present in population databases (rs766892635, gnomAD 0.03%). This variant has been observed in individual(s) with COL2A1-related conditions (PMID: 32071555). ClinVar contains an entry for this variant (Variation ID: 1474371). Variants that disrupt the consensus splice site are a relatively common cause of aberrant splicing (PMID: 17576681, 9536098). Algorithms developed to predict the effect of sequence changes on RNA splicing suggest that this variant is not likely to affect RNA splicing. In summary, the available evidence is currently insufficient to determine the role of this variant in disease. Therefore, it has been classified as a Variant of Uncertain Significance.

GeneDx
Classification: Likely benign. Last evaluated: 2021-02-03. Review status: criteria provided, single submitter. Criteria: GeneDx Variant Classification Process June 2021. Collection method: clinical testing. Allele origin: germline. Affected: yes.
Comment: See Variant Classification Assertion Criteria.

PreventionGenetics, part of Exact Sciences
Classification: Likely benign for COL2A1-related condition. Last evaluated: 2023-12-08. Review status: no assertion criteria provided. Collection method: clinical testing. Allele origin: germline. Not counted in ClinVar's aggregate classification.
Comment: This variant is classified as likely benign based on ACMG/AMP sequence variant interpretation guidelines (Richards et al. 2015 PMID: 25741868, with internal and published modifications).

Literature cited by the submitters: PubMed 32071555 (cited by Labcorp Genetics (formerly Invitae), Labcorp); PubMed 17576681 (cited by Labcorp Genetics (formerly Invitae), Labcorp); PubMed 9536098 (cited by Labcorp Genetics (formerly Invitae), Labcorp).

NM_001844.5(COL2A1):c.816+6C>T

Gene: COL2A1 (collagen type II alpha 1 chain; minus strand). Cytogenetic location: 12q13.11.
Variant type: single nucleotide variant.
Coding change: c.816+6C>T on transcript NM_001844.5 (MANE Select); 6 bases into the intron after coding-DNA position 816, C replaced by T.
Molecular consequence: intron variant.
Genome position (GRCh38, 1-based): chr12:47,994,418, G>A on the plus strand (C>T on the coding strand, the complement: COL2A1 is on the minus strand). VCF-style: chr12-47994418-G-A. GRCh37 (hg19) VCF-style: chr12-48388201-G-A.
Other names: c.816+6C>T (NM_001844.4); c.609+6C>T (NM_033150.3).
Identifiers: ClinVar variation 1474371 (VCV001474371.10), dbSNP rs766892635, ClinGen allele CA6535775.